The following is an entry in ClinVar:

NM_000465.4(BARD1):c.324T>G (p.Cys108Trp)

Gene: BARD1 (BRCA1 associated RING domain 1; minus strand). Cytogenetic location: 2q35.
Variant type: single nucleotide variant.
Coding change: c.324T>G on transcript NM_000465.4 (MANE Select); coding-DNA position 324, T replaced by G.
Protein change: p.Cys108Trp; replaces cysteine 108 with tryptophan.
Molecular consequence: missense variant. On other transcripts: non-coding transcript variant (1), intron variant (2).
Genome position (GRCh38, 1-based): chr2:214,792,337, A>C on the plus strand (T>G on the coding strand, the complement: BARD1 is on the minus strand). VCF-style: chr2-214792337-A-C. GRCh37 (hg19) VCF-style: chr2-215657061-A-C.
Other names: c.267T>G, p.Cys89Trp (NM_001282543.2); c.324T>G, p.Cys108Trp (NM_001282549.2); c.158+17075T>G (NM_001282548.2); c.215+4724T>G (NM_001282545.2); short protein forms C108W, C89W.
Identifiers: ClinVar variation 1729413 (VCV001729413.2), dbSNP rs570480045, ClinGen allele CA350460889.

ClinVar aggregate classification (germline): Uncertain significance (1 of 4 stars; one submission).

Conditions:
Hereditary cancer-predisposing syndrome. Also called: Neoplastic Syndromes, Hereditary; Tumor predisposition; Hereditary Cancer Syndrome; Hereditary neoplastic syndrome. Identifiers: Orphanet 140162, MedGen C0027672, MeSH D009386, MONDO:0015356.

Submission:

Ambry Genetics
Classification: Uncertain significance for Hereditary cancer-predisposing syndrome. Last evaluated: 2021-11-22. Review status: criteria provided, single submitter. Criteria: Ambry Variant Classification Scheme 2023. Collection method: clinical testing. Allele origin: germline.
Comment: The p.C108W variant (also known as c.324T>G), located in coding exon 3 of the BARD1 gene, results from a T to G substitution at nucleotide position 324. The cysteine at codon 108 is replaced by tryptophan, an amino acid with highly dissimilar properties. This amino acid position is conserved. In addition, this alteration is predicted to be tolerated by in silico analysis. Since supporting evidence is limited at this time, the clinical significance of this alteration remains unclear.